The following is an entry in ClinVar:

ClinVar aggregate classification (germline): Uncertain significance. Review status: criteria provided, multiple submitters, no conflicts (2 of 4 stars). 4 submissions from 4 submitters: Uncertain significance (4). Last evaluated 2025-01-15.

Conditions:
Microcephaly, normal intelligence and immunodeficiency (NBS). Also called: BERLIN BREAKAGE SYNDROME; SEEMANOVA SYNDROME II; Immunodeficiency, microcephaly with normal intelligence; Nijmegen breakage syndrome; Microcephaly with normal intelligence immunodeficiency and lymphoreticular malignancies; Nonsyndromal microcephaly autosomal recessive with normal intelligence. Identifiers: Orphanet 647, MedGen C0398791, MONDO:0009623, OMIM 251260.
Hereditary cancer-predisposing syndrome. Also called: Hereditary neoplastic syndrome; Hereditary Cancer Syndrome; Neoplastic Syndromes, Hereditary; Tumor predisposition. Identifiers: Orphanet 140162, MedGen C0027672, MeSH D009386, MONDO:0015356.

Allele frequency attached by ClinVar (database versions not stated): gnomAD exomes below 0.00001.
gnomAD v4.1: 3 of 1,613,888 alleles (0.00019%); highest among the groups gnomAD compares: Non-Finnish European, 0.00025%; no homozygotes.

Submissions (4):

Ambry Genetics
Classification: Uncertain significance for Hereditary cancer-predisposing syndrome. Last evaluated: 2025-01-15. Review status: criteria provided, single submitter. Criteria: Ambry Variant Classification Scheme 2023. Collection method: clinical testing. Allele origin: germline.
Comment: The p.N79H variant (also known as c.235A>C), located in coding exon 3 of the NBN gene, results from an A to C substitution at nucleotide position 235. The asparagine at codon 79 is replaced by histidine, an amino acid with similar properties. This amino acid position is highly conserved in available vertebrate species. In addition, the in silico prediction for this alteration is inconclusive. Since supporting evidence is limited at this time, the clinical significance of this alteration remains unclear.

Genome-Nilou Lab
Classification: Uncertain significance for Microcephaly, normal intelligence and immunodeficiency. Last evaluated: 2021-11-07. Review status: criteria provided, single submitter. Criteria: ACMG Guidelines, 2015. Collection method: clinical testing. Allele origin: germline. Affected: no.

Labcorp Genetics (formerly Invitae), Labcorp
Classification: Uncertain significance for Microcephaly, normal intelligence and immunodeficiency. Last evaluated: 2021-07-19. Review status: criteria provided, single submitter. Criteria: Invitae Variant Classification Sherloc (09022015). Collection method: clinical testing. Allele origin: germline.
Comment: In summary, the available evidence is currently insufficient to determine the role of this variant in disease. Therefore, it has been classified as a Variant of Uncertain Significance. Algorithms developed to predict the effect of missense changes on protein structure and function do not agree on the potential impact of this missense change (SIFT: "Deleterious"; PolyPhen-2: "Probably Damaging"; Align-GVGD: "Class C0"). This variant has not been reported in the literature in individuals with NBN-related disease. ClinVar contains an entry for this variant (Variation ID: 421316). This variant is not present in population databases (ExAC no frequency). This sequence change replaces asparagine with histidine at codon 79 of the NBN protein (p.Asn79His). The asparagine residue is moderately conserved and there is a small physicochemical difference between asparagine and histidine.

GeneDx
Classification: Uncertain significance. Last evaluated: 2016-05-27. Review status: criteria provided, single submitter. Criteria: GeneDx Variant Classification (06012015). Collection method: clinical testing. Allele origin: germline. Affected: yes.
Comment: This variant is denoted NBN c.235A>C at the cDNA level, p.Asn79His (N79H) at the protein level, and results in the change of an Asparagine to a Histidine (AAT>CAT). This variant has not, to our knowledge, been published in the literature as pathogenic or benign. NBN Asn79His was not observed in approximately 6,500 individuals of European and African American ancestry in the NHLBI Exome Sequencing Project, suggesting it is not a common benign variant in these populations. Since Asparagine and Histidine differ in some properties, this is considered a semi-conservative amino acid substitution. NBN Asn79His occurs at a position that is conserved across species and is located in the FHA domain (UniProt). In silico analyses predict that this variant is probably damaging to protein structure and function. Based on currently available evidence, it is unclear whether NBN Asn79His is a pathogenic or benign variant. We consider it to be a variant of uncertain significance.

NM_002485.5(NBN):c.235A>C (p.Asn79His)

Gene: NBN (nibrin; minus strand). Cytogenetic location: 8q21.3.
Variant type: single nucleotide variant.
Coding change: c.235A>C on transcript NM_002485.5 (MANE Select); coding-DNA position 235, A replaced by C.
Protein change: p.Asn79His; replaces asparagine 79 with histidine.
Molecular consequence: missense variant. On other transcripts: 5 prime UTR variant (1).
Genome position (GRCh38, 1-based): chr8:89,981,460, T>G on the plus strand (A>C on the coding strand, the complement: NBN is on the minus strand). VCF-style: chr8-89981460-T-G. GRCh37 (hg19) VCF-style: chr8-90993688-T-G.
Other names: c.-12A>C (NM_001024688.3); short protein forms N79H.
Identifiers: ClinVar variation 421316 (VCV000421316.15), dbSNP rs786202749, ClinGen allele CA16618713.
Genomic context (GRCh38, chr8:89,981,460, plus strand): 5'-AAGTAATACCATCCCCCGACTTCAAAGTTCGGGAAAAGCCATTCTGCATTTTTTCCTCAT[T>G]AACAAAGGTACCATACTTAGAATTATCTTTTAATGTCAATACAGGGATTTCATCTGTTTG-3'
Protein context (NP_002476.2, residues 69-89): KDNSKYGTFV[Asn79His]EEKMQNGFSR